The following is an entry in ClinVar:

ClinVar aggregate classification (germline): Uncertain significance (1 of 4 stars; one submission).

Submission:

GeneDx
Classification: Uncertain significance. Last evaluated: 2023-03-25. Review status: criteria provided, single submitter. Criteria: GeneDx Variant Classification Process June 2021. Collection method: clinical testing. Allele origin: germline. Affected: yes.
Comment: Not observed at significant frequency in large population cohorts (gnomAD); In silico analysis supports that this missense variant has a deleterious effect on protein structure/function; Has not been previously published as pathogenic or benign to our knowledge

NM_005120.3(MED12):c.788A>G (p.Glu263Gly)

Gene: MED12 (mediator complex subunit 12; plus strand). Cytogenetic location: Xq13.1.
Variant type: single nucleotide variant.
Coding change: c.788A>G on transcript NM_005120.3 (MANE Select); coding-DNA position 788, A replaced by G.
Protein change: p.Glu263Gly; replaces glutamic acid 263 with glycine.
Molecular consequence: missense variant.
Genome position (GRCh38, 1-based): chrX:71,121,379, A>G. VCF-style: chrX-71121379-A-G. GRCh37 (hg19) VCF-style: chrX-70341229-A-G.
Other names: short protein forms E263G.
Identifiers: ClinVar variation 3342900 (VCV003342900.1).
Genomic context (GRCh38, chrX:71,121,379, plus strand): 5'-ACCCATAGGATGGAATGCTGGACAGACATGAGTTCCTGACCTGGGTGCTTGAGTGTTTTG[A>G]GAAGATCCGCCCTGGAGAGGATGAATTGCTTAAACTGCTGCTGCCTCTGCTTCTCCGAGT-3'
Protein context (NP_005111.2, residues 253-273): EFLTWVLECF[Glu263Gly]KIRPGEDELL